The following is an entry in ClinVar:

NM_022114.4(PRDM16):c.2154G>A (p.Ser718=)

Gene: PRDM16 (PR/SET domain 16; plus strand). Cytogenetic location: 1p36.32.
Variant type: single nucleotide variant.
Coding change: c.2154G>A on transcript NM_022114.4 (MANE Select); coding-DNA position 2154, G replaced by A.
Protein change: p.Ser718=; no amino-acid change (serine 718 retained).
Molecular consequence: synonymous variant.
Genome position (GRCh38, 1-based): chr1:3,412,351, G>A. VCF-style: chr1-3412351-G-A. GRCh37 (hg19) VCF-style: chr1-3328915-G-A.
Other names: c.2154G>A, p.Ser718= (NM_199454.3).
Identifiers: ClinVar variation 517157 (VCV000517157.29), dbSNP rs781041726, ClinGen allele CA544400.

ClinVar aggregate classification (germline): Likely benign. Review status: criteria provided, multiple submitters, no conflicts (2 of 4 stars). 4 submissions from 4 submitters: Likely benign (4). Last evaluated 2025-02-12.

Conditions:
Inborn genetic diseases. Identifiers: MedGen C0950123, MeSH D030342.
Left ventricular noncompaction 8 (LVNC8). Identifiers: Orphanet 154, Orphanet 54260, MedGen C3809288, MONDO:0014152, OMIM 615373.

Allele frequency attached by ClinVar (database versions not stated): ExAC 0.00003; gnomAD exomes 0.00003 and 0.00006; gnomAD 0.00012 and 0.00014; TOPMed 0.00012.
gnomAD v4.1: 68 of 1,613,454 alleles (0.0042%); highest among the groups gnomAD compares: Middle Eastern, 0.049%; 1 homozygote.

Submissions (4):

Labcorp Genetics (formerly Invitae), Labcorp
Classification: Likely benign for Left ventricular noncompaction 8. Last evaluated: 2025-02-12. Review status: criteria provided, single submitter. Criteria: Invitae Variant Classification Sherloc (09022015). Collection method: clinical testing. Allele origin: germline.

Blueprint Genetics
Classification: Likely benign. Last evaluated: 2024-10-07. Review status: criteria provided, single submitter. Criteria: ACMG Guidelines, 2015. Collection method: clinical testing. Allele origin: germline.

Ambry Genetics
Classification: Likely benign for Inborn genetic diseases. Last evaluated: 2023-05-26. Review status: criteria provided, single submitter. Criteria: Ambry Variant Classification Scheme 2023. Collection method: clinical testing. Allele origin: germline.

Laboratory for Molecular Medicine, Mass General Brigham Personalized Medicine
Classification: Likely benign. Last evaluated: 2016-11-17. Review status: criteria provided, single submitter. Criteria: LMM Criteria. Collection method: clinical testing. Allele origin: germline. Observed: 1 variant allele.
Comment: p.Ser718Ser in exon 9 of PRDM16: This variant is not expected to have clinical s ignificance because it does not alter an amino acid residue and is not located w ithin the splice consensus sequence. It has been identified in 4/66462 of Europe an chromosomes by the Exome Aggregation Consortium (ExAC; dbSNP rs781041726).